The following is an entry in ClinVar:

ClinVar aggregate classification (germline): Uncertain significance. Review status: criteria provided, multiple submitters, no conflicts (2 of 4 stars). 2 submissions from 2 submitters: Uncertain significance (2). Last evaluated 2025-07-21.

Conditions:
Hereditary cancer-predisposing syndrome. Also called: Hereditary Cancer Syndrome; Hereditary neoplastic syndrome; Tumor predisposition; Neoplastic Syndromes, Hereditary. Identifiers: Orphanet 140162, MedGen C0027672, MeSH D009386, MONDO:0015356.

Submissions (2):

Labcorp Genetics (formerly Invitae), Labcorp
Classification: Uncertain significance. Last evaluated: 2025-07-21. Review status: criteria provided, single submitter. Criteria: Invitae Variant Classification Sherloc (09022015). Collection method: clinical testing. Allele origin: germline.
Comment: This sequence change replaces methionine, which is neutral and non-polar, with threonine, which is neutral and polar, at codon 16 of the NTHL1 protein (p.Met16Thr). This variant is not present in population databases (gnomAD no frequency). This variant has not been reported in the literature in individuals affected with NTHL1-related conditions. ClinVar contains an entry for this variant (Variation ID: 1963843). An algorithm developed to predict the effect of missense changes on protein structure and function (PolyPhen-2) suggests that this variant is likely to be tolerated. In summary, the available evidence is currently insufficient to determine the role of this variant in disease. Therefore, it has been classified as a Variant of Uncertain Significance.

Ambry Genetics
Classification: Uncertain significance for Hereditary cancer-predisposing syndrome. Last evaluated: 2025-07-07. Review status: criteria provided, single submitter. Criteria: Ambry Variant Classification Scheme 2023. Collection method: clinical testing. Allele origin: germline.
Comment: The p.M16T variant (also known as c.47T>C), located in coding exon 1 of the NTHL1 gene, results from a T to C substitution at nucleotide position 47. The methionine at codon 16 is replaced by threonine, an amino acid with similar properties. This amino acid position is conserved. In addition, this alteration is predicted to be tolerated by in silico analysis. Based on the available evidence, the clinical significance of this variant remains unclear.

NM_002528.7(NTHL1):c.23T>C (p.Met8Thr)

Gene: NTHL1 (nth like DNA glycosylase 1; minus strand). Cytogenetic location: 16p13.3.
Variant type: single nucleotide variant.
Coding change: c.23T>C on transcript NM_002528.7 (MANE Select); coding-DNA position 23, T replaced by C.
Protein change: p.Met8Thr; replaces methionine 8 with threonine.
Molecular consequence: missense variant. On other transcripts: 5 prime UTR variant (1).
Genome position (GRCh38, 1-based): chr16:2,047,801, A>G on the plus strand (T>C on the coding strand, the complement: NTHL1 is on the minus strand). VCF-style: chr16-2047801-A-G. GRCh37 (hg19) VCF-style: chr16-2097802-A-G.
Other names: c.47T>C (NM_002528.5); c.23T>C, p.Met8Thr (NM_001318193.2); c.-156T>C (NM_001318194.2); short protein forms M8T.
Identifiers: ClinVar variation 1963843 (VCV001963843.6), dbSNP rs376966505, ClinGen allele CA394298607.